The following is an entry in ClinVar:

NC_000009.12:g.(?_124481358)_(124505411_?)del

Gene: NR5A1 (nuclear receptor subfamily 5 group A member 1; minus strand). Cytogenetic location: 9q33.3.
Variant type: Deletion.
Identifiers: ClinVar variation 833100 (VCV000833100.5).

ClinVar aggregate classification (germline): Pathogenic (1 of 4 stars; one submission).

Conditions:
Oligosynaptic infertility (SPGF1). Also called: SPERMATOGENIC FAILURE 1; OLIGOCHIASMATIC INFERTILITY. Identifiers: MedGen C0403810, MONDO:0009776, OMIM 258150.
46,XY sex reversal 3. Also called: SEX REVERSAL, XY, WITH OR WITHOUT ADRENAL FAILURE; 46,XY GONADAL DYSGENESIS, PARTIAL OR COMPLETE, WITH OR WITHOUT ADRENAL FAILURE; DISORDER OF SEX DEVELOPMENT, 46,XY, NR5A1-RELATED; NR5A1-related 46,XY complete gonadal dysgenesis; 46,XY SEX REVERSAL, PARTIAL OR COMPLETE, NR5A1-RELATED. Identifiers: MedGen C3489793, MONDO:0013066, OMIM 612965.

Submission:

Labcorp Genetics (formerly Invitae), Labcorp
Classification: Pathogenic for 46,XY disorder of sex development; Oligosynaptic infertility. Last evaluated: 2019-10-11. Review status: criteria provided, single submitter. Criteria: Invitae Variant Classification Sherloc (09022015). Collection method: clinical testing. Allele origin: germline.
Comment: A gross deletion of the genomic region encompassing the full coding sequence of the NR5A1 gene has been identified. The boundaries of this event are unknown as the deletion extends beyond the assayed region for this gene and therefore may encompass additional genes. Isolated whole-gene deletions of NR5A1 have not been reported in the literature. However, larger copy number events that include this gene have been reported (PMID: 19269353). Loss-of-function variants in NR5A1 are known to be pathogenic (PMID: 10369247, 11038323, 12907682, 19246354, 20887963). For these reasons, this variant has been classified as Pathogenic.

Literature cited by the submitters: PubMed 19269353.